The following is an entry in ClinVar:

ClinVar aggregate classification (germline): Conflicting classifications of pathogenicity. Review status: criteria provided, conflicting classifications (1 of 4 stars). 3 submissions from 3 submitters: Uncertain significance (1); Benign (1). 1 of the submissions does not count toward it. Last evaluated 2026-02-01.

Conditions:
MYO5B-related disorder. Also called: MYO5B-related condition.
Congenital microvillous atrophy (DIAR2). Also called: MICROVILLUS ATROPHY, CONGENITAL; Microvillus inclusion disease; DAVIDSON DISEASE; CONGENITAL FAMILIAL PROTRACTED DIARRHEA WITH ENTEROCYTE BRUSH-BORDER ABNORMALITIES; Diarrhea 2 with microvillus atrophy, with or without cholestasis. Identifiers: Orphanet 2290, MedGen C0341306, MONDO:0009635, OMIM 251850.

Allele frequency attached by ClinVar (database versions not stated): TOPMed 0.00002; ESP Exome Variant Server 0.00008; gnomAD exomes 0.00030; gnomAD 0.00044; 1000 Genomes Project 30x 0.00062; ExAC 0.00072; 1000 Genomes Project 0.00080.
gnomAD v4.1: 528 of 1,614,116 alleles (0.033%); highest among the groups gnomAD compares: Middle Eastern, 0.016%; 1 homozygote.

Submissions (3):

Labcorp Genetics (formerly Invitae), Labcorp
Classification: Benign. Last evaluated: 2026-02-01. Review status: criteria provided, single submitter. Criteria: Invitae Variant Classification Sherloc (09022015). Collection method: clinical testing. Allele origin: germline.

Illumina Laboratory Services, Illumina
Classification: Uncertain significance for Congenital microvillous atrophy. Last evaluated: 2018-01-12. Review status: criteria provided, single submitter. Criteria: ICSL Variant Classification Criteria 13 December 2019. Collection method: clinical testing. Allele origin: germline.

PreventionGenetics, part of Exact Sciences
Classification: Likely benign for MYO5B-related condition. Last evaluated: 2022-12-08. Review status: no assertion criteria provided. Collection method: clinical testing. Allele origin: germline. Not counted in ClinVar's aggregate classification.
Comment: This variant is classified as likely benign based on ACMG/AMP sequence variant interpretation guidelines (Richards et al. 2015 PMID: 25741868, with internal and published modifications).

NM_001080467.3(MYO5B):c.1786A>G (p.Lys596Glu)

Gene: MYO5B (myosin VB; minus strand). Cytogenetic location: 18q21.1.
Variant type: single nucleotide variant.
Coding change: c.1786A>G on transcript NM_001080467.3 (MANE Select); coding-DNA position 1786, A replaced by G.
Protein change: p.Lys596Glu; replaces lysine 596 with glutamic acid.
Molecular consequence: missense variant.
Genome position (GRCh38, 1-based): chr18:49,937,364, T>C on the plus strand (A>G on the coding strand, the complement: MYO5B is on the minus strand). VCF-style: chr18-49937364-T-C. GRCh37 (hg19) VCF-style: chr18-47463734-T-C.
Other names: short protein forms K596E.
Identifiers: ClinVar variation 889178 (VCV000889178.10), dbSNP rs200548362, ClinGen allele CA8961375.